The following is an entry in ClinVar:

NM_001110556.2(FLNA):c.2054C>G (p.Thr685Arg)

Gene: FLNA (filamin A; minus strand). Cytogenetic location: Xq28.
Variant type: single nucleotide variant.
Coding change: c.2054C>G on transcript NM_001110556.2 (MANE Select); coding-DNA position 2054, C replaced by G.
Protein change: p.Thr685Arg; replaces threonine 685 with arginine.
Molecular consequence: missense variant.
Genome position (GRCh38, 1-based): chrX:154,364,341, G>C on the plus strand (C>G on the coding strand, the complement: FLNA is on the minus strand). VCF-style: chrX-154364341-G-C. GRCh37 (hg19) VCF-style: chrX-153592709-G-C.
Other names: c.2054C>G (NM_001456.3); c.2054C>G, p.Thr685Arg (NM_001456.4); short protein forms T685R.
Identifiers: ClinVar variation 3749658 (VCV003749658.3).

ClinVar aggregate classification (germline): Uncertain significance. Review status: criteria provided, multiple submitters, no conflicts (2 of 4 stars). 2 submissions from 2 submitters: Uncertain significance (2). Last evaluated 2025-05-02.

Conditions:
Melnick-Needles syndrome (MNS). Also called: MELNICK-NEEDLES OSTEODYSPLASTY; OSTEODYSPLASTY OF MELNICK AND NEEDLES; Melnick-Needles Syndrome (FLNA-MNS). Identifiers: Orphanet 2484, MedGen C0025237, MONDO:0010650, OMIM 309350.
Frontometaphyseal dysplasia (FMD1). Identifiers: Orphanet 1826, MedGen C0265293, MONDO:0015942.
Heterotopia, periventricular, X-linked dominant (PVNH1). Also called: PERIVENTRICULAR NODULAR HETEROTOPIA 1; X-linked periventricular heterotopia; PERIVENTRICULAR NODULAR HETEROTOPIA 4; HETEROTOPIA, PERIVENTRICULAR, 1. Identifiers: Orphanet 2149, Orphanet 82004, MedGen C1848213, MONDO:0010233, OMIM 300049.
Oto-palato-digital syndrome, type II (OPD2). Also called: FACIOPALATOOSSEOUS SYNDROME; OPD II SYNDROME; Otopalatodigital Syndrome, Type II; Otopalatodigital Syndrome Type 2 (FLNA-OPD2). Identifiers: Orphanet 669, Orphanet 90652, MedGen C1844696, MONDO:0010571, OMIM 304120.

Submissions (2):

GeneDx
Classification: Uncertain significance. Last evaluated: 2025-05-02. Review status: criteria provided, single submitter. Criteria: GeneDx Variant Classification Process June 2021. Collection method: clinical testing. Allele origin: germline. Affected: yes.
Comment: Not observed at significant frequency in large population cohorts (gnomAD); In silico analysis supports that this missense variant has a deleterious effect on protein structure/function; Has not been previously published as pathogenic or benign to our knowledge

Labcorp Genetics (formerly Invitae), Labcorp
Classification: Uncertain significance for Oto-palato-digital syndrome, type II; Heterotopia, periventricular, X-linked dominant; Frontometaphyseal dysplasia; Melnick-Needles syndrome. Last evaluated: 2024-09-27. Review status: criteria provided, single submitter. Criteria: Invitae Variant Classification Sherloc (09022015). Collection method: clinical testing. Allele origin: germline.
Comment: This sequence change replaces threonine, which is neutral and polar, with arginine, which is basic and polar, at codon 685 of the FLNA protein (p.Thr685Arg). This variant is not present in population databases (gnomAD no frequency). This variant has not been reported in the literature in individuals affected with FLNA-related conditions. Invitae Evidence Modeling of protein sequence and biophysical properties (such as structural, functional, and spatial information, amino acid conservation, physicochemical variation, residue mobility, and thermodynamic stability) indicates that this missense variant is not expected to disrupt FLNA protein function with a negative predictive value of 95%. In summary, the available evidence is currently insufficient to determine the role of this variant in disease. Therefore, it has been classified as a Variant of Uncertain Significance.